The following is an entry in ClinVar:

NM_000053.4(ATP7B):c.1678G>T (p.Ala560Ser)

Gene: ATP7B (ATPase copper transporting beta; minus strand). Cytogenetic location: 13q14.3.
Variant type: single nucleotide variant.
Coding change: c.1678G>T on transcript NM_000053.4 (MANE Select); coding-DNA position 1678, G replaced by T.
Protein change: p.Ala560Ser; replaces alanine 560 with serine.
Molecular consequence: missense variant. On other transcripts: intron variant (1).
Genome position (GRCh38, 1-based): chr13:51,968,473, C>A on the plus strand (G>T on the coding strand, the complement: ATP7B is on the minus strand). VCF-style: chr13-51968473-C-A. GRCh37 (hg19) VCF-style: chr13-52542609-C-A.
Other names: c.1678G>T, p.Ala560Ser (NM_001005918.3, NM_001330578.2, NM_001330579.2 and 26 more transcripts); c.1345G>T, p.Ala449Ser (NM_001243182.2); c.1645G>T, p.Ala549Ser (NM_001406524.1, NM_001406514.1); c.1582G>T, p.Ala528Ser (NM_001406530.1, NM_001406543.1, NM_001406544.1 and 3 more transcripts); c.1285+5462G>T (NM_001406548.1); c.1249G>T, p.Ala417Ser (NM_001406539.1); short protein forms A417S, A449S, A528S, A549S, A560S.
Identifiers: ClinVar variation 3071099 (VCV003071099.1), dbSNP rs757281957, ClinGen allele CA6989278.
Genomic context (GRCh38, chr13:51,968,473, plus strand): 5'-TGTAACCCCGTAACGCACCCACAGTACTTACTGTCAGCTCAATGTTGCCATCGGAGCCTG[C>A]GTAGTCCTCCATGACTGCTGCCTCAAAACCCAGGTCCTGGATGAACTGAGCTATCTCGAG-3'
Protein context (NP_000044.2, residues 550-570): GFEAAVMEDY[Ala560Ser]GSDGNIELTI

ClinVar aggregate classification (germline): Uncertain significance (1 of 4 stars; one submission).

Conditions:
Wilson disease (WND). Also called: Wilson's disease. Identifiers: Orphanet 905, MedGen C0019202, MONDO:0010200, OMIM 277900. Disease mechanism: loss of function.

gnomAD v4.1: 1 of 1,614,180 alleles (0.000062%); highest among the groups gnomAD compares: Admixed American, 0.0017%; no homozygotes.

Submission:

All of Us Research Program, National Institutes of Health
Classification: Uncertain significance for Wilson disease. Last evaluated: 2023-05-16. Review status: criteria provided, single submitter. Criteria: ACMG Guidelines, 2015. Collection method: clinical testing. Allele origin: germline. Inheritance: Autosomal recessive inheritance. Observed: 1 variant allele, 1 heterozygote.
Comment: This missense variant replaces alanine with serine at codon 560 of the ATP7B protein. Computational prediction suggests that this variant may not impact protein structure and function (internally defined REVEL score threshold <= 0.5, PMID: 27666373). To our knowledge, functional studies have not been reported for this variant. This variant has not been reported in individuals affected with ATP7B-related disorders in the literature. This variant has been identified in 2/249538 chromosomes in the general population by the Genome Aggregation Database (gnomAD). The available evidence is insufficient to determine the role of this variant in disease conclusively. Therefore, this variant is classified as a Variant of Uncertain Significance.

This study involves interpretation of variants in research participants for the purpose of population health screening. Participant phenotype was not available at the time of variant classification. Additional details can be found in publication PMID: 35346344, PMCID: PMC8962531